The following is an entry in ClinVar:

NM_000748.3(CHRNB2):c.544del (p.Glu182fs)

Gene: CHRNB2 (cholinergic receptor nicotinic beta 2 subunit; plus strand). Cytogenetic location: 1q21.3.
Variant type: Deletion.
Coding change: c.544del on transcript NM_000748.3 (MANE Select); coding-DNA position 544, one base deleted (G; older notation c.544delG).
Protein change: p.Glu182fs; shifts the reading frame from glutamic acid 182.
Molecular consequence: frameshift variant.
Genome position (GRCh38, 1-based): chr1:154,571,367, G deleted. VCF-style (leftmost placement, unchanged base first): chr1-154571366-AG-A. GRCh37 (hg19) VCF-style: chr1-154543842-AG-A.
Other names: short protein forms E182fs.
Identifiers: ClinVar variation 2060851 (VCV002060851.4), dbSNP rs1696161255, ClinGen allele CA2480925234.

ClinVar aggregate classification (germline): Uncertain significance (1 of 4 stars; one submission).

Conditions:
Familial sleep-related hypermotor epilepsy. Also called: Autosomal Dominant Sleep-Related Hypermotor (Hyperkinetic) Epilepsy. Identifiers: Orphanet 98784, MedGen C3696898, MONDO:0000030.

Allele frequency attached by ClinVar (database versions not stated): TOPMed 0.00001.

Submission:

Labcorp Genetics (formerly Invitae), Labcorp
Classification: Uncertain significance. Last evaluated: 2022-11-08. Review status: criteria provided, single submitter. Criteria: Invitae Variant Classification Sherloc (09022015). Collection method: clinical testing. Allele origin: germline.
Comment: This sequence change creates a premature translational stop signal (p.Glu182Argfs*6) in the CHRNB2 gene. It is expected to result in an absent or disrupted protein product. However, the current clinical and genetic evidence is not sufficient to establish whether loss-of-function variants in CHRNB2 cause disease. This variant is not present in population databases (gnomAD no frequency). In summary, the available evidence is currently insufficient to determine the role of this variant in disease. Therefore, it has been classified as a Variant of Uncertain Significance. This variant has not been reported in the literature in individuals affected with CHRNB2-related conditions.